The following is an entry in ClinVar:

NM_000257.4(MYH7):c.5026C>T (p.Arg1676Trp)

Genes: MHRT (myosin heavy chain associated RNA transcript; plus strand), MYH7 (myosin heavy chain 7; minus strand), LOC126861897 (BRD4-independent group 4 enhancer GRCh37_chr14:23884455-23885654; plus strand). Cytogenetic location: 14q11.2.
Variant type: single nucleotide variant.
Coding change: c.5026C>T on transcript NM_000257.4 (MANE Select); coding-DNA position 5026, C replaced by T.
Protein change: p.Arg1676Trp; replaces arginine 1676 with tryptophan.
Molecular consequence: missense variant. On other transcripts: non-coding transcript variant (1).
Genome position (GRCh38, 1-based): chr14:23,415,760, G>A on the plus strand (C>T on the coding strand, the complement: MYH7 is on the minus strand). VCF-style: chr14-23415760-G-A. GRCh37 (hg19) VCF-style: chr14-23884969-G-A.
Other names: c.5026C>T (LRG_384t1); short protein forms R1676W.
Identifiers: ClinVar variation 312892 (VCV000312892.26), dbSNP rs753115999, ClinGen allele CA044958.

ClinVar aggregate classification (germline): Uncertain significance. Review status: criteria provided, multiple submitters, no conflicts (2 of 4 stars). 10 submissions from 7 submitters: Uncertain significance (10). Last evaluated 2025-12-22.

Conditions:
Cardiovascular phenotype. Identifiers: MedGen CN230736.
Dilated cardiomyopathy 1S (CMD1S). Identifiers: Orphanet 154, Orphanet 54260, MedGen C1834481, MONDO:0013262, OMIM 613426.
Myosin storage myopathy (CMYO7A). Also called: MYOPATHY, HYALINE BODY, AUTOSOMAL DOMINANT; Scapuloperoneal myopathy, MYH7-related; MYOPATHY WITH LYSIS OF TYPE I MYOFIBRILS; SCAPULOPERONEAL MUSCULAR DYSTROPHY; SCAPULOPERONEAL SYNDROME, MYOPATHIC TYPE; MYH7-related late-onset scapuloperoneal muscular dystrophy. Identifiers: Orphanet 437572, Orphanet 636965, MedGen C1842160, MONDO:0008409, OMIM 608358.
Myopathy, myosin storage, autosomal recessive (CMYO7B). Also called: CONGENITAL MYOPATHY 7B, MYOSIN STORAGE, AUTOSOMAL RECESSIVE. Identifiers: Orphanet 636970, MedGen C1850709, MONDO:0009708, OMIM 255160.
Congenital myopathy with fiber type disproportion. Also called: Congenital fiber-type disproportion myopathy; Congenital fiber-type disproportion. Identifiers: Orphanet 2020, MedGen C0546264, MONDO:0009711. Inheritance: all.
MYH7-related skeletal myopathy. Also called: Myopathy, distal, 1; MYOPATHY, DISTAL, EARLY-ONSET, AUTOSOMAL DOMINANT; MYOPATHY, LATE DISTAL HEREDITARY; Laing distal myopathy; Laing early-onset distal myopathy. Identifiers: Orphanet 59135, MedGen C4552004, MONDO:0008050, OMIM 160500.
Hypertrophic cardiomyopathy 1 (CMH1). Also called: Familial hypertrophic cardiomyopathy 1; MYH7-Related Familial Hypertrophic Cardiomyopathy. Identifiers: MedGen C3495498, MONDO:0008647, OMIM 192600.
Cardiomyopathy (CMYO). Also called: Cardiomyopathies. Identifiers: Orphanet 167848, MedGen C0878544, MONDO:0004994, HP:0001638. Inheritance: Various modes of inheritance.
Hypertrophic cardiomyopathy. Also called: HYPERTROPHIC MYOCARDIOPATHY. Identifiers: Orphanet 217569, MedGen C0007194, MeSH D002312, MONDO:0005045, HP:0001639.

Allele frequency attached by ClinVar (database versions not stated): ExAC 0.00001; gnomAD 0.00001; gnomAD exomes 0.00001; TOPMed 0.00001.
gnomAD v4.1: 19 of 1,614,046 alleles (0.0012%); highest among the groups gnomAD compares: South Asian, 0.0022%; no homozygotes.

Submissions (10):

Labcorp Genetics (formerly Invitae), Labcorp
Classification: Uncertain significance for Hypertrophic cardiomyopathy. Last evaluated: 2025-12-22. Review status: criteria provided, single submitter. Criteria: Invitae Variant Classification Sherloc (09022015). Collection method: clinical testing. Allele origin: germline.
Comment: This sequence change replaces arginine, which is basic and polar, with tryptophan, which is neutral and slightly polar, at codon 1676 of the MYH7 protein (p.Arg1676Trp). This variant is present in population databases (rs753115999, gnomAD 0.006%). This missense change has been observed in individual(s) with cardiomyopathy or dilated cardiomyopathy (PMID: 32880476, 35838873). ClinVar contains an entry for this variant (Variation ID: 312892). Invitae Evidence Modeling of protein sequence and biophysical properties (such as structural, functional, and spatial information, amino acid conservation, physicochemical variation, residue mobility, and thermodynamic stability) indicates that this missense variant is expected to disrupt MYH7 protein function with a positive predictive value of 95%. In summary, the available evidence is currently insufficient to determine the role of this variant in disease. Therefore, it has been classified as a Variant of Uncertain Significance.

3billion
Classification: Uncertain significance for Dilated cardiomyopathy 1S. Last evaluated: 2024-09-13. Review status: criteria provided, single submitter. Criteria: ACMG Guidelines, 2015. Collection method: clinical testing. Allele origin: germline. Affected: yes.
Comment: The variant is observed at an extremely low frequency in the gnomAD v4.0.0 dataset (total allele frequency: 0.001%). Predicted Consequence/Location: Missense variant In silico tool predictions suggest damaging effect of the variant on gene or gene product [REVEL: 0.85 (>=0.6, sensitivity 0.68 and specificity 0.92); 3Cnet: 0.99 (>=0.6, sensitivity 0.72 and precision 0.9)]. The same nucleotide change resulting in the same amino acid change has been previously reported to be associated with MYH7-related disorder (PMID: 32880476).A different missense change at the same codon (p.Arg1676Pro) has been reported to be associated with MYH7-related disorder (PMID: 30897599). However, the evidence of pathogenicity is insufficient at this time.However, the variant has been reported as VUS for MYH7-related disorder (clinvar: VCV000312892.21) Therefore, this variant is classified as VUS according to the recommendation of ACMG/AMP guideline.

All of Us Research Program, National Institutes of Health
Classification: Uncertain significance for Cardiomyopathy. Last evaluated: 2024-05-09. Review status: criteria provided, single submitter. Criteria: ACMG Guidelines, 2015. Collection method: clinical testing. Allele origin: germline. Inheritance: Autosomal dominant inheritance. Observed: 9 variant alleles, 9 heterozygotes.
Comment: This missense variant replaces arginine with tryptophan at codon 1676 of the MYH7 protein. Computational prediction suggests that this variant may have a deleterious impact on protein structure and function (internally defined REVEL score threshold >= 0.7, PMID: 27666373). To our knowledge, functional studies have not been reported for this variant. This variant has been reported in one individual affected with dilated cardiomyopathy (PMID: 32880476). This variant has been identified in 3/251388 chromosomes in the general population by the Genome Aggregation Database (gnomAD). The available evidence is insufficient to determine the role of this variant in disease conclusively. Therefore, this variant is classified as a Variant of Uncertain Significance.

This study involves interpretation of variants in research participants for the purpose of population health screening. Participant phenotype was not available at the time of variant classification. Additional details can be found in publication PMID: 35346344, PMCID: PMC8962531

Ambry Genetics
Classification: Uncertain significance for Cardiovascular phenotype. Last evaluated: 2023-12-06. Review status: criteria provided, single submitter. Criteria: Ambry Variant Classification Scheme 2023. Collection method: clinical testing. Allele origin: germline.
Comment: The p.R1676W variant (also known as c.5026C>T), located in coding exon 33 of the MYH7 gene, results from a C to T substitution at nucleotide position 5026. The arginine at codon 1676 is replaced by tryptophan, an amino acid with dissimilar properties. This alteration has been reported in a dilated cardiomyopathy (DCM) cohort and a peripartum cardiomyopathy cohort (Verdonschot JAJ et al. Circ Genom Precis Med, 2020 Oct;13:476-487; Goli R et al. Circulation, 2021 May;143:1852-1862). This amino acid position is highly conserved in available vertebrate species. In addition, this alteration is predicted to be deleterious by in silico analysis. Since supporting evidence is limited at this time, the clinical significance of this alteration remains unclear.

Color Diagnostics, LLC DBA Color Health
Classification: Uncertain significance for Cardiomyopathy. Last evaluated: 2023-06-28. Review status: criteria provided, single submitter. Criteria: ACMG Guidelines, 2015. Collection method: clinical testing. Allele origin: germline.
Comment: This missense variant replaces arginine with tryptophan at codon 1676 of the MYH7 protein. Computational prediction suggests that this variant may have a deleterious impact on protein structure and function (internally defined REVEL score threshold >= 0.7, PMID: 27666373). To our knowledge, functional studies have not been reported for this variant. This variant has been reported in one individual affected with dilated cardiomyopathy (PMID: 32880476). This variant has been identified in 3/251388 chromosomes in the general population by the Genome Aggregation Database (gnomAD). The available evidence is insufficient to determine the role of this variant in disease conclusively. Therefore, this variant is classified as a Variant of Uncertain Significance.

Fulgent Genetics
Classification: Uncertain significance for MYH7-related skeletal myopathy; Myosin storage myopathy; Hypertrophic cardiomyopathy 1; Myopathy, myosin storage, autosomal recessive; Congenital myopathy 4A, autosomal dominant; Dilated cardiomyopathy 1S. Last evaluated: 2021-07-07. Review status: criteria provided, single submitter. Criteria: ACMG Guidelines, 2015. Collection method: clinical testing. Allele origin: unknown.

Illumina Laboratory Services, Illumina
Classification: Uncertain significance for MYH7-related skeletal myopathy. Last evaluated: 2018-01-13. Review status: criteria provided, single submitter. Criteria: ICSL Variant Classification Criteria 13 December 2019. Collection method: clinical testing. Allele origin: germline.

Illumina Laboratory Services, Illumina
Classification: Uncertain significance for Hypertrophic cardiomyopathy 1. Last evaluated: 2018-01-13. Review status: criteria provided, single submitter. Criteria: ICSL Variant Classification Criteria 13 December 2019. Collection method: clinical testing. Allele origin: germline.

Illumina Laboratory Services, Illumina
Classification: Uncertain significance for Dilated cardiomyopathy 1S. Last evaluated: 2018-01-13. Review status: criteria provided, single submitter. Criteria: ICSL Variant Classification Criteria 13 December 2019. Collection method: clinical testing. Allele origin: germline.

Illumina Laboratory Services, Illumina
Classification: Uncertain significance for Myosin storage myopathy. Last evaluated: 2018-01-13. Review status: criteria provided, single submitter. Criteria: ICSL Variant Classification Criteria 13 December 2019. Collection method: clinical testing. Allele origin: germline.

Literature cited by the submitters: PubMed 32880476 (cited by 5 submitters); PubMed 35838873 (cited by Labcorp Genetics (formerly Invitae), Labcorp); PubMed 30897599 (cited by 3billion); PubMed 33874732 (cited by Ambry Genetics).